The following is an entry in ClinVar:

ClinVar aggregate classification (germline): Uncertain significance (1 of 4 stars; one submission).

Submission:

Dasa
Classification: Uncertain significance. Last evaluated: 2026-08-05. Review status: criteria provided, single submitter. Criteria: DASA Assertion Criteria. Collection method: clinical testing. Allele origin: germline.
Comment: NM_001144888.2(BAIAP2):c.864G>T (p.Gly288=) is a synonymous variant predicted not to alter the encoded amino acid sequence. This variant is rare in population databases. Computational prediction algorithms are consistent with a deleterious effect. The currently available literature and clinical evidence are not sufficient to establish a definitive association between this variant and the reported condition. Therefore, this variant is classified as a variant of uncertain significance.

NM_001144888.2(BAIAP2):c.864G>T (p.Gly288=)

Gene: BAIAP2 (BAR/IMD domain containing adaptor protein 2; plus strand). Cytogenetic location: 17q25.3.
Variant type: single nucleotide variant.
Coding change: c.864G>T on transcript NM_001144888.2 (MANE Select); coding-DNA position 864, G replaced by T.
Protein change: p.Gly288=; no amino-acid change (glycine 288 retained).
Molecular consequence: synonymous variant. On other transcripts: non-coding transcript variant (7).
Genome position (GRCh38, 1-based): chr17:81,103,723, G>T. VCF-style: chr17-81103723-G-T. GRCh37 (hg19) VCF-style: chr17-79077523-G-T.
Other names: c.864G>T, p.Gly288= (NM_001385127.1, NM_001385128.1, NM_001385131.1 and 9 more transcripts); c.963G>T, p.Gly321= (NM_001385129.1, NM_001385130.1, NM_001385132.1 and 4 more transcripts); c.939G>T, p.Gly313= (NM_001385137.1); c.858G>T, p.Gly286= (NM_001385144.1); c.690G>T, p.Gly230= (NM_001385147.1, NM_001385148.1, NM_001385149.1); c.630G>T, p.Gly210= (NM_001385150.1, NM_001385151.1, NM_001385152.1 and 4 more transcripts); c.135G>T, p.Gly45= (NM_001385157.1, NM_001385158.1, NM_001385159.1).
Identifiers: ClinVar variation 5020589 (VCV005020589.1).